The following is an entry in ClinVar:

ClinVar aggregate classification (germline): Uncertain significance. Review status: criteria provided, multiple submitters, no conflicts (2 of 4 stars). 2 submissions from 2 submitters: Uncertain significance (2). Last evaluated 2026-04-21.

Conditions:
EGFR-related lung cancer (EGFR). Identifiers: MedGen CN130014.
Hereditary cancer-predisposing syndrome. Also called: Hereditary Cancer Syndrome; Neoplastic Syndromes, Hereditary; Tumor predisposition; Hereditary neoplastic syndrome. Identifiers: Orphanet 140162, MedGen C0027672, MeSH D009386, MONDO:0015356.

Submissions (2):

Ambry Genetics
Classification: Uncertain significance for Hereditary cancer-predisposing syndrome. Last evaluated: 2026-04-21. Review status: criteria provided, single submitter. Criteria: Ambry Variant Classification Scheme 2023. Collection method: clinical testing. Allele origin: germline.
Comment: The p.R427H variant (also known as c.1280G>A), located in coding exon 11 of the EGFR gene, results from a G to A substitution at nucleotide position 1280. The arginine at codon 427 is replaced by histidine, an amino acid with highly similar properties. This amino acid position is highly conserved in available vertebrate species. In addition, the in silico prediction for this alteration is inconclusive. Based on the available evidence, the clinical significance of this variant remains unclear.

Labcorp Genetics (formerly Invitae), Labcorp
Classification: Uncertain significance for EGFR-related lung cancer. Last evaluated: 2025-10-06. Review status: criteria provided, single submitter. Criteria: Invitae Variant Classification Sherloc (09022015). Collection method: clinical testing. Allele origin: germline.
Comment: This sequence change replaces arginine, which is basic and polar, with histidine, which is basic and polar, at codon 427 of the EGFR protein (p.Arg427His). This variant is not present in population databases (gnomAD no frequency). This variant has not been reported in the literature in individuals affected with EGFR-related conditions. ClinVar contains an entry for this variant (Variation ID: 963017). Invitae Evidence Modeling of protein sequence and biophysical properties (such as structural, functional, and spatial information, amino acid conservation, physicochemical variation, residue mobility, and thermodynamic stability) indicates that this missense variant is not expected to disrupt EGFR protein function with a negative predictive value of 80%. In summary, the available evidence is currently insufficient to determine the role of this variant in disease. Therefore, it has been classified as a Variant of Uncertain Significance.

NM_005228.5(EGFR):c.1280G>A (p.Arg427His)

Gene: EGFR (epidermal growth factor receptor; plus strand). Cytogenetic location: 7p11.2.
Variant type: single nucleotide variant.
Coding change: c.1280G>A on transcript NM_005228.5 (MANE Select); coding-DNA position 1280, G replaced by A.
Protein change: p.Arg427His; replaces arginine 427 with histidine.
Molecular consequence: missense variant.
Genome position (GRCh38, 1-based): chr7:55,157,735, G>A. VCF-style: chr7-55157735-G-A. GRCh37 (hg19) VCF-style: chr7-55225428-G-A.
Other names: c.1145G>A, p.Arg382His (NM_001346897.2, NM_001346899.2); c.1280G>A, p.Arg427His (NM_001346898.2, NM_201282.2, NM_201284.2); c.1121G>A, p.Arg374His (NM_001346900.2); c.479G>A, p.Arg160His (NM_001346941.2); short protein forms R374H, R382H, R427H, R160H.
Identifiers: ClinVar variation 963017 (VCV000963017.10), dbSNP rs1785501435, ClinGen allele CA367579252.